The following is an entry in ClinVar:

ClinVar aggregate classification (germline): Uncertain significance (1 of 4 stars; one submission).

gnomAD v4.1: 1 of 1,612,670 alleles (0.000062%); highest among the groups gnomAD compares: Non-Finnish European, 0.000085%; no homozygotes.

Submission:

Labcorp Genetics (formerly Invitae), Labcorp
Classification: Uncertain significance. Last evaluated: 2025-10-19. Review status: criteria provided, single submitter. Criteria: Invitae Variant Classification Sherloc (09022015). Collection method: clinical testing. Allele origin: germline.
Comment: This sequence change replaces isoleucine, which is neutral and non-polar, with leucine, which is neutral and non-polar, at codon 153 of the MRAS protein (p.Ile153Leu). This variant is not present in population databases (gnomAD no frequency). This variant has not been reported in the literature in individuals affected with MRAS-related conditions. ClinVar contains an entry for this variant (Variation ID: 3647122). An algorithm developed to predict the effect of missense changes on protein structure and function (PolyPhen-2) suggests that this variant is likely to be tolerated. In summary, the available evidence is currently insufficient to determine the role of this variant in disease. Therefore, it has been classified as a Variant of Uncertain Significance.

NM_001085049.3(MRAS):c.457A>T (p.Ile153Leu)

Gene: MRAS (muscle RAS oncogene homolog; plus strand). Cytogenetic location: 3q22.3.
Variant type: single nucleotide variant.
Coding change: c.457A>T on transcript NM_001085049.3 (MANE Select); coding-DNA position 457, A replaced by T.
Protein change: p.Ile153Leu; replaces isoleucine 153 with leucine.
Molecular consequence: missense variant.
Genome position (GRCh38, 1-based): chr3:138,400,543, A>T. VCF-style: chr3-138400543-A-T. GRCh37 (hg19) VCF-style: chr3-138119385-A-T.
Other names: c.457A>T, p.Ile153Leu (NM_001252090.2, NM_012219.4); c.229A>T, p.Ile77Leu (NM_001252091.1, NM_001252092.2, NM_001252093.2); short protein forms I153L, I77L.
Identifiers: ClinVar variation 3647122 (VCV003647122.2).